The following is an entry in ClinVar:

ClinVar aggregate classification (germline): Uncertain significance. Review status: criteria provided, multiple submitters, no conflicts (2 of 4 stars). 2 submissions from 2 submitters: Uncertain significance (2). Last evaluated 2025-07-20.

Conditions:
MYH7B-related disorder. Also called: MYH7B-related condition.

Allele frequency attached by ClinVar (database versions not stated): TOPMed 0.00003; gnomAD exomes 0.00004; gnomAD 0.00006; ExAC 0.00014.
gnomAD v4.1: 60 of 1,613,846 alleles (0.0037%); highest among the groups gnomAD compares: East Asian, 0.038%; no homozygotes.

Submissions (2):

PreventionGenetics, part of Exact Sciences
Classification: Uncertain significance for MYH7B-related condition. Last evaluated: 2025-07-20. Review status: criteria provided, single submitter. Criteria: ACMG Guidelines, 2015. Collection method: clinical testing. Allele origin: germline.
Comment: The MYH7B c.1891G>A variant is predicted to result in the amino acid substitution p.Val631Met. This variant was reported in an individual with hypertrophic cardiomyopathy (Table S1, Chen et al. 2020. PubMed ID: 32207065). This variant is reported in 0.12% of alleles in individuals of East Asian descent in gnomAD, which may be too high for undocumented causative variant. Although we suspect that this variant may be benign, at this time, the clinical significance of this variant is uncertain due to the absence of conclusive functional and genetic evidence.

Labcorp Genetics (formerly Invitae), Labcorp
Classification: Uncertain significance. Last evaluated: 2022-11-04. Review status: criteria provided, single submitter. Criteria: Invitae Variant Classification Sherloc (09022015). Collection method: clinical testing. Allele origin: germline.
Comment: In summary, the available evidence is currently insufficient to determine the role of this variant in disease. Therefore, it has been classified as a Variant of Uncertain Significance. Algorithms developed to predict the effect of missense changes on protein structure and function are either unavailable or do not agree on the potential impact of this missense change (SIFT: "Deleterious"; PolyPhen-2: "Probably Damaging"; Align-GVGD: "Class C15"). This missense change has been observed in individual(s) with hypertrophic cardiomyopathy (PMID: 32207065). This variant is present in population databases (rs571377722, gnomAD 0.1%), and has an allele count higher than expected for a pathogenic variant. This sequence change replaces valine, which is neutral and non-polar, with methionine, which is neutral and non-polar, at codon 631 of the MYH7B protein (p.Val631Met).

Literature cited by the submitters: PubMed 32207065 (cited by Labcorp Genetics (formerly Invitae), Labcorp).

NM_020884.7(MYH7B):c.1765G>A (p.Val589Met)

Gene: MYH7B (myosin heavy chain 7B; plus strand). Cytogenetic location: 20q11.22.
Variant type: single nucleotide variant.
Coding change: c.1765G>A on transcript NM_020884.7 (MANE Select); coding-DNA position 1765, G replaced by A.
Protein change: p.Val589Met; replaces valine 589 with methionine.
Molecular consequence: missense variant.
Genome position (GRCh38, 1-based): chr20:34,989,917, G>A. VCF-style: chr20-34989917-G-A. GRCh37 (hg19) VCF-style: chr20-33577720-G-A.
Other names: c.1891G>A (NM_020884.4); short protein forms V589M.
Identifiers: ClinVar variation 2894232 (VCV002894232.4), dbSNP rs571377722, ClinGen allele CA9827051.